The following is an entry in ClinVar:

ClinVar aggregate classification (germline): Uncertain significance (1 of 4 stars; one submission).

gnomAD v4.1: 2 of 1,137,599 alleles (0.00018%); highest among the groups gnomAD compares: Non-Finnish European, 0.00024%; no homozygotes.

Submission:

GeneDx
Classification: Uncertain significance. Last evaluated: 2026-04-06. Review status: criteria provided, single submitter. Criteria: GeneDx Variant Classification Process June 2021. Collection method: clinical testing. Allele origin: germline.
Comment: Not observed at significant frequency in large population cohorts (gnomAD); In silico analysis suggests that this missense variant does not alter protein structure/function; Has not been previously published as pathogenic or benign to our knowledge

NM_001081550.2(THOC2):c.1415A>C (p.Asp472Ala)

Gene: THOC2 (THO complex subunit 2; minus strand). Cytogenetic location: Xq25.
Variant type: single nucleotide variant.
Coding change: c.1415A>C on transcript NM_001081550.2 (MANE Select); coding-DNA position 1415, A replaced by C.
Protein change: p.Asp472Ala; replaces aspartic acid 472 with alanine.
Molecular consequence: missense variant.
Genome position (GRCh38, 1-based): chrX:123,645,347, T>G on the plus strand (A>C on the coding strand, the complement: THOC2 is on the minus strand). VCF-style: chrX-123645347-T-G. GRCh37 (hg19) VCF-style: chrX-122779198-T-G.
Other names: short protein forms D472A.
Identifiers: ClinVar variation 3764102 (VCV003764102.2).